The following is an entry in ClinVar:

NM_015662.3(IFT172):c.868A>G (p.Thr290Ala)

Gene: IFT172 (intraflagellar transport 172; minus strand). Cytogenetic location: 2p23.3.
Variant type: single nucleotide variant.
Coding change: c.868A>G on transcript NM_015662.3 (MANE Select); coding-DNA position 868, A replaced by G.
Protein change: p.Thr290Ala; replaces threonine 290 with alanine.
Molecular consequence: missense variant.
Genome position (GRCh38, 1-based): chr2:27,480,067, T>C on the plus strand (A>G on the coding strand, the complement: IFT172 is on the minus strand). VCF-style: chr2-27480067-T-C. GRCh37 (hg19) VCF-style: chr2-27702934-T-C.
Other names: c.868A>G, p.Thr290Ala (NM_001410739.1); short protein forms T290A.
Identifiers: ClinVar variation 3348266 (VCV003348266.1).

ClinVar aggregate classification (germline): Uncertain significance (0 of 4 stars; one submission).

Conditions:
IFT172-related disorder. Also called: IFT172-related disorders; IFT172-related condition.

gnomAD v4.1: 1 of 1,613,742 alleles (0.000062%); highest among the groups gnomAD compares: Admixed American, 0.0017%; no homozygotes.

Submission:

PreventionGenetics, part of Exact Sciences
Classification: Uncertain significance for IFT172-related condition. Last evaluated: 2023-12-21. Review status: no assertion criteria provided. Collection method: clinical testing. Allele origin: germline.
Comment: The IFT172 c.868A>G variant is predicted to result in the amino acid substitution p.Thr290Ala. To our knowledge, this variant has not been reported in the literature. This variant is reported in 0.0029% of alleles in individuals of Latino descent in gnomAD. At this time, the clinical significance of this variant is uncertain due to the absence of conclusive functional and genetic evidence.